The following is an entry in ClinVar:

ClinVar aggregate classification (germline): Uncertain significance. Review status: criteria provided, multiple submitters, no conflicts (2 of 4 stars). 2 submissions from 2 submitters: Uncertain significance (2). Last evaluated 2025-06-19.

Conditions:
Inborn genetic diseases. Identifiers: MedGen C0950123, MeSH D030342.

gnomAD v4.1: 93 of 1,613,958 alleles (0.0058%); highest among the groups gnomAD compares: African/African-American, 0.11%; no homozygotes.

Submissions (2):

Women's Health and Genetics/Laboratory Corporation of America, LabCorp
Classification: Uncertain significance. Last evaluated: 2025-06-19. Review status: criteria provided, single submitter. Criteria: LabCorp Variant Classification Summary - May 2015. Collection method: clinical testing. Allele origin: germline.
Comment: Variant summary: ACAN c.6086C>T (p.Ser2029Leu) results in a non-conservative amino acid change in the encoded protein sequence. Algorithms developed to predict the effect of missense changes on protein structure and function are either unavailable or do not agree on the potential impact of this missense change. The variant allele was found at a frequency of 5.2e-05 in 249156 control chromosomes. This frequency is not significantly higher than estimated for a pathogenic variant in ACAN causing ACAN-Related Disorders, allowing no conclusion about variant significance. To our knowledge, no occurrence of c.6086C>T in individuals affected with ACAN-Related Disorders and no experimental evidence demonstrating its impact on protein function have been reported. ClinVar contains an entry for this variant (Variation ID: 3465953). Based on the evidence outlined above, the variant was classified as uncertain significance.

Ambry Genetics
Classification: Uncertain significance for Inborn genetic diseases. Last evaluated: 2024-11-11. Review status: criteria provided, single submitter. Criteria: Ambry Variant Classification Scheme 2023. Collection method: clinical testing. Allele origin: germline.

NM_001369268.1(ACAN):c.6086C>T (p.Ser2029Leu)

Gene: ACAN (aggrecan; plus strand). Cytogenetic location: 15q26.1.
Variant type: single nucleotide variant.
Coding change: c.6086C>T on transcript NM_001369268.1 (MANE Select); coding-DNA position 6086, C replaced by T.
Protein change: p.Ser2029Leu; replaces serine 2029 with leucine.
Molecular consequence: missense variant.
Genome position (GRCh38, 1-based): chr15:88,858,671, C>T. VCF-style: chr15-88858671-C-T. GRCh37 (hg19) VCF-style: chr15-89401902-C-T.
Other names: c.6086C>T, p.Ser2029Leu (NM_001135.4, NM_001411096.1, NM_001411097.1 and 1 more transcripts); short protein forms S2029L.
Identifiers: ClinVar variation 3465953 (VCV003465953.2).
Genomic context (GRCh38, chr15:88,858,671, plus strand): 5'-CCAGCACCACCAATGTAAGTGGAGAATCCTCTGTAGCCATGGGCACCAGTGGAGAGGCCT[C>T]AGGACTTCCAGAAGTTACTTTAATCACTTCTGAGTTCGTGGAGGGTGTTACTGAACCAAC-3'
Protein context (NP_001356197.1, residues 2019-2039): SVAMGTSGEA[Ser2029Leu]GLPEVTLITS